The following is an entry in ClinVar:

ClinVar aggregate classification (germline): Pathogenic/Likely pathogenic. Review status: criteria provided, multiple submitters, no conflicts (2 of 4 stars). 3 submissions from 3 submitters: Pathogenic (1); Likely pathogenic (1). 1 of the submissions does not count toward it. Last evaluated 2023-01-21.

Conditions:
Cataract 1 multiple types. Also called: CATARACT, DUFFY-LINKED; CATARACT 1, POSTERIOR SUBCAPSULAR, WITH MICROCORNEA; CATARACT 1, STELLATE NUCLEAR, WITH MICROCORNEA; CATARACT 1, MULTIPLE TYPES, WITH OR WITHOUT MICROCORNEA; CATARACT 1, NUCLEAR PROGRESSIVE; CATARACT 1 WITH MICROCORNEA. Identifiers: Orphanet 1377, MedGen C1861828, MONDO:0007285, OMIM 116200.

Submissions (3):

Dept. Genetics and Cancer, Menzies Institute for Medical Research, University of Tasmania
Classification: Likely pathogenic for Cataract 1 multiple types. Last evaluated: 2023-01-21. Review status: criteria provided, single submitter. Criteria: ACMG Guidelines, 2015. Collection method: curation. Allele origin: germline. Affected: yes.
Comment: Variant identified and curated during a GJA8 specific review of the literature in relation to pediatric or congenital cataract. ACMG-AMP criteria applied: PP1(Strong), PS4(Supporting), PM1(Supporting), PM2(Supporting), PP3. Original variant report: PMID:9497259;32384692. The cataract phenotype reported for this variant is: Nuclear, and Zonular pulverulent. Gene review and curation guidelines are outlined in: DOI 10.1080/17469899.2023.2160320

Labcorp Genetics (formerly Invitae), Labcorp
Classification: Pathogenic for Cataract 1 multiple types. Last evaluated: 2019-11-26. Review status: criteria provided, single submitter. Criteria: Invitae Variant Classification Sherloc (09022015). Collection method: clinical testing. Allele origin: germline.
Comment: This variant is not present in population databases (ExAC no frequency). This sequence change replaces proline with serine at codon 88 of the GJA8 protein (p.Pro88Ser). The proline residue is highly conserved and there is a moderate physicochemical difference between proline and serine. This variant has been observed in individual(s) with congenital cataracts (PMID: 9497259). It has also been observed to segregate with disease in related individuals. ClinVar contains an entry for this variant (Variation ID: 8721). For these reasons, this variant has been classified as Pathogenic. This variant disrupts the p.Pro88 amino acid residue in GJA8. Other variant(s) that disrupt this residue have been determined to be pathogenic (Invitae). This suggests that this residue is clinically significant, and that variants that disrupt this residue are likely to be disease-causing. This variant has been reported to affect GJA8 protein function (PMID: 10362609, 12800976, 19073179).

OMIM
Classification: Pathogenic for CATARACT 1, ZONULAR PULVERULENT. Last evaluated: 1998-03-01. Review status: no assertion criteria provided. Collection method: literature only. Allele origin: germline. Not counted in ClinVar's aggregate classification.

Literature cited by the submitters: PubMed 9497259 (cited by 3 submitters); PubMed 32384692 (cited by Dept. Genetics and Cancer, Menzies Institute for Medical Research, University of Tasmania); PubMed 10362609 (cited by Labcorp Genetics (formerly Invitae), Labcorp); PubMed 12800976 (cited by Labcorp Genetics (formerly Invitae), Labcorp); PubMed 19073179 (cited by Labcorp Genetics (formerly Invitae), Labcorp); Shiels, A., Mackay, D., Ionides, A., Berry, V., Moore, A., Bhattacharya, S. A missense mutation in the GJA8 gene underlies autosomal dominant cataract on human chromosome 1q. (Abstract) Am. J. Hum. Genet. 61 (suppl.): A21-only, 1997. (cited by OMIM); Nettleship, E. Seven new pedigrees of hereditary cataract. Trans. Ophthal. Soc. U.K. 29: 188-211, 1909. (cited by OMIM); PubMed 14059288 (cited by OMIM); Nettleship, E., Ogilvie, F. M. A peculiar form of hereditary congenital cataract. Trans. Ophthal. Soc. U.K. 26: 191-207, 1906. (cited by OMIM).

NM_005267.5(GJA8):c.262C>T (p.Pro88Ser)

Gene: GJA8 (gap junction protein alpha 8; plus strand). Cytogenetic location: 1q21.2.
Variant type: single nucleotide variant.
Coding change: c.262C>T on transcript NM_005267.5 (MANE Select); coding-DNA position 262, C replaced by T.
Protein change: p.Pro88Ser; replaces proline 88 with serine.
Molecular consequence: missense variant.
Genome position (GRCh38, 1-based): chr1:147,908,217, C>T. VCF-style: chr1-147908217-C-T. GRCh37 (hg19) VCF-style: chr1-147380344-C-T.
Other names: short protein forms P88S.
Identifiers: ClinVar variation 8721 (VCV000008721.11), dbSNP rs80358200, ClinGen allele CA119862.